The following is an entry in ClinVar:

NM_007194.4(CHEK2):c.1074AGA[1] (p.Glu360del)

Gene: CHEK2 (checkpoint kinase 2; minus strand). Cytogenetic location: 22q12.1.
Variant type: Microsatellite.
Coding change: c.1074AGA[1] on transcript NM_007194.4 (MANE Select); one copy of the 3-base unit AGA starting at c.1074; the reference has two copies in a row; one copy, 3 bases deleted.
Protein change: p.Glu360del; deletes glutamic acid 360.
Molecular consequence: inframe deletion. On other transcripts: intron variant (3).
Genome position (GRCh38, 1-based): chr22:28,696,917-28,696,919, TCT deleted on the plus strand (AGA on the coding strand, the reverse complement: CHEK2 is on the minus strand); deleting any 3 consecutive bases within chr22:28,696,917-28,696,923 gives the same sequence; the position shown is the placement nearest the transcript's 3' end. VCF-style (leftmost placement, unchanged base first): chr22-28696916-CTCT-C. GRCh37 (hg19) VCF-style: chr22-29092904-CTCT-C.
Other names: c.1203AGA[1], p.Glu403del (NM_001005735.3); c.411AGA[1], p.Glu139del (NM_001257387.3, NM_001437942.1); c.873AGA[1], p.Glu293del (NM_001349956.3); c.1167AGA[1], p.Glu391del (NM_001438293.1); c.1009-1046_1009-1044del (NM_145862.3); c.1102-1046_1102-1044del (NM_001438295.1); c.1138-1046_1138-1044del (NM_001438294.1); short protein forms E139del, E293del, E403del, E360del, E391del.
Identifiers: ClinVar variation 3266943 (VCV003266943.3).

ClinVar aggregate classification (germline): Uncertain significance. Review status: criteria provided, multiple submitters, no conflicts (2 of 4 stars). 2 submissions from 2 submitters: Uncertain significance (2). Last evaluated 2024-03-18.

Conditions:
Hereditary cancer-predisposing syndrome. Also called: Hereditary Cancer Syndrome; Tumor predisposition; Hereditary neoplastic syndrome; Neoplastic Syndromes, Hereditary. Identifiers: Orphanet 140162, MedGen C0027672, MeSH D009386, MONDO:0015356.
Familial cancer of breast. Also called: BREAST CANCER, FAMILIAL; Hereditary breast cancer; hereditary breast carcinoma. Identifiers: Orphanet 227535, MedGen C0346153, MONDO:0016419, OMIM 114480. Disease mechanism: loss of function.

Submissions (2):

Ambry Genetics
Classification: Uncertain significance for Hereditary cancer-predisposing syndrome. Last evaluated: 2024-03-18. Review status: criteria provided, single submitter. Criteria: Ambry Variant Classification Scheme 2023. Collection method: clinical testing. Allele origin: germline.
Comment: The c.1077_1079delAGA variant (also known as p.E360del) is located in coding exon 9 of the CHEK2 gene. This variant results from an in-frame AGA deletion at nucleotide positions 1077 to 1079. This results in the in-frame deletion of a glutamic acid at codon 360. This amino acid position is well conserved in available vertebrate species. In addition, this alteration is predicted to be deleterious by in silico analysis (Choi Y et al. PLoS ONE. 2012; 7(10):e46688). Based on the available evidence, the clinical significance of this alteration remains unclear.

Labcorp Genetics (formerly Invitae), Labcorp
Classification: Uncertain significance for Familial cancer of breast. Last evaluated: 2024-03-08. Review status: criteria provided, single submitter. Criteria: Invitae Variant Classification Sherloc (09022015). Collection method: clinical testing. Allele origin: germline.
Comment: This variant, c.1077_1079del, results in the deletion of 1 amino acid(s) of the CHEK2 protein (p.Glu360del), but otherwise preserves the integrity of the reading frame. This variant is not present in population databases (gnomAD no frequency). This variant has not been reported in the literature in individuals affected with CHEK2-related conditions. Experimental studies and prediction algorithms are not available or were not evaluated, and the functional significance of this variant is currently unknown. Studies have shown that this variant is associated with inconclusive levels of altered splicing (Invitae). In summary, the available evidence is currently insufficient to determine the role of this variant in disease. Therefore, it has been classified as a Variant of Uncertain Significance.